The following is an entry in ClinVar:

ClinVar aggregate classification (germline): Uncertain significance. Review status: criteria provided, multiple submitters, no conflicts (2 of 4 stars). 2 submissions from 2 submitters: Uncertain significance (2). Last evaluated 2025-04-09.

Conditions:
EGFR-related lung cancer (EGFR). Identifiers: MedGen CN130014.
Hereditary cancer-predisposing syndrome. Also called: Hereditary Cancer Syndrome; Tumor predisposition; Hereditary neoplastic syndrome; Neoplastic Syndromes, Hereditary. Identifiers: Orphanet 140162, MedGen C0027672, MeSH D009386, MONDO:0015356.

Submissions (2):

Ambry Genetics
Classification: Uncertain significance for Hereditary cancer-predisposing syndrome. Last evaluated: 2025-04-09. Review status: criteria provided, single submitter. Criteria: Ambry Variant Classification Scheme 2023. Collection method: clinical testing. Allele origin: germline.
Comment: The c.2004_2005delGCinsTG variant (also known as p.M668_R669delinsIG), located in coding exon 17 of the EGFR gene, results from an in-frame deletion of GC and insertion of TG at nucleotide positions 2004 to 2005. This results in the substitution of two residues (MR) with two new residues (IG) at codons 668 and 669. This amino acid region is conserved in available vertebrate species. In addition, the in silico prediction for this alteration is inconclusive (Choi Y et al. PLoS ONE. 2012; 7(10):e46688). Based on the available evidence, the clinical significance of this variant remains unclear.

Labcorp Genetics (formerly Invitae), Labcorp
Classification: Uncertain significance for EGFR-related lung cancer. Last evaluated: 2023-09-10. Review status: criteria provided, single submitter. Criteria: Invitae Variant Classification Sherloc (09022015). Collection method: clinical testing. Allele origin: germline.
Comment: In summary, the available evidence is currently insufficient to determine the role of this variant in disease. Therefore, it has been classified as a Variant of Uncertain Significance. Experimental studies and prediction algorithms are not available or were not evaluated, and the functional significance of this variant is currently unknown. ClinVar contains an entry for this variant (Variation ID: 1056134). This variant has not been reported in the literature in individuals affected with EGFR-related conditions. Information on the frequency of this variant in the gnomAD database is not available, as this variant may be reported differently in the database. This variant, c.2004_2005delinsTG, is a complex sequence change that results in the deletion of 2 and insertion of 2 amino acid(s) in the EGFR protein (p.Met668_Arg669delinsIleGly).

NM_005228.5(EGFR):c.2004_2005delinsTG (p.Met668_Arg669delinsIleGly)

Gene: EGFR (epidermal growth factor receptor; plus strand). Cytogenetic location: 7p11.2.
Variant type: Indel.
Coding change: c.2004_2005delinsTG on transcript NM_005228.5 (MANE Select); coding-DNA positions 2004 to 2005, GC replaced by TG.
Protein change: p.Met668_Arg669delinsIleGly.
Molecular consequence: missense variant.
Genome position (GRCh38, 1-based): chr7:55,173,067-55,173,068, GC replaced by TG. VCF-style: chr7-55173067-GC-TG. GRCh37 (hg19) VCF-style: chr7-55240760-GC-TG.
Other names: c.1869_1870delinsTG, p.Met623_Arg624delinsIleGly (NM_001346897.2, NM_001346899.2); c.2004_2005delinsTG, p.Met668_Arg669delinsIleGly (NM_001346898.2); c.1845_1846delinsTG, p.Met615_Arg616delinsIleGly (NM_001346900.2); c.1203_1204delinsTG, p.Met401_Arg402delinsIleGly (NM_001346941.2); c.2004_2005delGCinsTG (NM_005228.3).
Identifiers: ClinVar variation 1056134 (VCV001056134.8), dbSNP rs2128952569, ClinGen allele CA2499218917.
Genomic context (GRCh38, chr7:55,173,067, plus strand): 5'-TGGGATGGTGGGGGCCCTCCTCTTGCTGCTGGTGGTGGCCCTGGGGATCGGCCTCTTCAT[GC>TG]GAAGGCGCCACATCGTTCGGAAGCGCACGCTGCGGAGGCTGCTGCAGGAGAGGGAGGTGA-3'